The following is an entry in ClinVar:

ClinVar aggregate classification (germline): Uncertain significance (1 of 4 stars; one submission).

gnomAD v4.1: 2 of 1,614,092 alleles (0.00012%); highest among the groups gnomAD compares: Non-Finnish European, 0.00017%; no homozygotes.

Submission:

Labcorp Genetics (formerly Invitae), Labcorp
Classification: Uncertain significance. Last evaluated: 2022-10-13. Review status: criteria provided, single submitter. Criteria: Invitae Variant Classification Sherloc (09022015). Collection method: clinical testing. Allele origin: germline.
Comment: Advanced modeling of protein sequence and biophysical properties (such as structural, functional, and spatial information, amino acid conservation, physicochemical variation, residue mobility, and thermodynamic stability) performed at Invitae indicates that this missense variant is not expected to disrupt RAI1 protein function. In summary, the available evidence is currently insufficient to determine the role of this variant in disease. Therefore, it has been classified as a Variant of Uncertain Significance. ClinVar contains an entry for this variant (Variation ID: 1504458). This variant has not been reported in the literature in individuals affected with RAI1-related conditions. This variant is not present in population databases (gnomAD no frequency). This sequence change replaces arginine, which is basic and polar, with glycine, which is neutral and non-polar, at codon 1544 of the RAI1 protein (p.Arg1544Gly).

NM_030665.4(RAI1):c.4630C>G (p.Arg1544Gly)

Gene: RAI1 (retinoic acid induced 1; plus strand). Cytogenetic location: 17p11.2.
Variant type: single nucleotide variant.
Coding change: c.4630C>G on transcript NM_030665.4 (MANE Select); coding-DNA position 4630, C replaced by G.
Protein change: p.Arg1544Gly; replaces arginine 1544 with glycine.
Molecular consequence: missense variant.
Genome position (GRCh38, 1-based): chr17:17,797,578, C>G. VCF-style: chr17-17797578-C-G. GRCh37 (hg19) VCF-style: chr17-17700892-C-G.
Other names: short protein forms R1544G.
Identifiers: ClinVar variation 1504458 (VCV001504458.6), dbSNP rs374516556, ClinGen allele CA398557174.